The following is an entry in ClinVar:

ClinVar aggregate classification (germline): Uncertain significance (1 of 4 stars; one submission).

Submission:

GeneDx
Classification: Uncertain significance. Last evaluated: 2024-08-09. Review status: criteria provided, single submitter. Criteria: GeneDx Variant Classification Process June 2021. Collection method: clinical testing. Allele origin: germline. Affected: yes.
Comment: Not observed at significant frequency in large population cohorts (gnomAD); In silico analysis supports that this missense variant has a deleterious effect on protein structure/function; Has not been previously published as pathogenic or benign to our knowledge

NM_001164760.2(PRKAR1B):c.692A>G (p.Tyr231Cys)

Gene: PRKAR1B (protein kinase cAMP-dependent type I regulatory subunit beta; minus strand). Cytogenetic location: 7p22.3.
Variant type: single nucleotide variant.
Coding change: c.692A>G on transcript NM_001164760.2 (MANE Select); coding-DNA position 692, A replaced by G.
Protein change: p.Tyr231Cys; replaces tyrosine 231 with cysteine.
Molecular consequence: missense variant.
Genome position (GRCh38, 1-based): chr7:596,162, T>C on the plus strand (A>G on the coding strand, the complement: PRKAR1B is on the minus strand). VCF-style: chr7-596162-T-C. GRCh37 (hg19) VCF-style: chr7-635799-T-C.
Other names: c.692A>G, p.Tyr231Cys (NM_001164758.2, NM_001164759.1, NM_001164761.2 and 2 more transcripts); short protein forms Y231C.
Identifiers: ClinVar variation 3602884 (VCV003602884.1).